The following is an entry in ClinVar:

ClinVar aggregate classification (germline): Uncertain significance (1 of 4 stars; one submission).

Conditions:
Cardiovascular phenotype. Identifiers: MedGen CN230736.

Submission:

Ambry Genetics
Classification: Uncertain significance for Cardiovascular phenotype. Last evaluated: 2025-10-11. Review status: criteria provided, single submitter. Criteria: Ambry Variant Classification Scheme 2023. Collection method: clinical testing. Allele origin: germline.
Comment: The p.M1900I variant (also known as c.5700G>T), located in coding exon 26 of the APOB gene, results from a G to T substitution at nucleotide position 5700. The methionine at codon 1900 is replaced by isoleucine, an amino acid with highly similar properties. This amino acid position is conserved. In addition, this alteration is predicted to be tolerated by in silico analysis. Based on the available evidence, the clinical significance of this variant remains unclear.

NM_000384.3(APOB):c.5700G>T (p.Met1900Ile)

Gene: APOB (apolipoprotein B; minus strand). Cytogenetic location: 2p24.1.
Variant type: single nucleotide variant.
Coding change: c.5700G>T on transcript NM_000384.3 (MANE Select); coding-DNA position 5700, G replaced by T.
Protein change: p.Met1900Ile; replaces methionine 1900 with isoleucine.
Molecular consequence: missense variant.
Genome position (GRCh38, 1-based): chr2:21,011,168, C>A on the plus strand (G>T on the coding strand, the complement: APOB is on the minus strand). VCF-style: chr2-21011168-C-A. GRCh37 (hg19) VCF-style: chr2-21234040-C-A.
Other names: short protein forms M1900I.
Identifiers: ClinVar variation 4613656 (VCV004613656.1).
Genomic context (GRCh38, chr2:21,011,168, plus strand): 5'-CCAGAGAGCGAGTTTCCCATTGCCATTTGTATGTGCATCGATGGTCATGGTAAACGGGGC[C>A]ATTACAGAACGGAAGACATTGCTGAAATGCAGTGAGTCTGAATTATAGTTTGTGCTCATG-3'
Protein context (NP_000375.3, residues 1890-1910): LHFSNVFRSV[Met1900Ile]APFTMTIDAH